The following is an entry in ClinVar:

ClinVar aggregate classification (germline): Uncertain significance (1 of 4 stars; one submission).

Conditions:
Dystonic disorder. Also called: Dystonia. Identifiers: MedGen C0013421, MONDO:0003441, HP:0001332.

Allele frequency attached by ClinVar (database versions not stated): TOPMed below 0.00001.

Submission:

Labcorp Genetics (formerly Invitae), Labcorp
Classification: Uncertain significance for Dystonic disorder. Last evaluated: 2021-11-20. Review status: criteria provided, single submitter. Criteria: Invitae Variant Classification Sherloc (09022015). Collection method: clinical testing. Allele origin: germline.
Comment: This sequence change replaces leucine, which is neutral and non-polar, with phenylalanine, which is neutral and non-polar, at codon 122 of the CIZ1 protein (p.Leu122Phe). In summary, the available evidence is currently insufficient to determine the role of this variant in disease. Therefore, it has been classified as a Variant of Uncertain Significance. Algorithms developed to predict the effect of missense changes on protein structure and function output the following: SIFT: "Deleterious"; PolyPhen-2: "Benign"; Align-GVGD: "Class C15". The phenylalanine amino acid residue is found in multiple mammalian species, which suggests that this missense change does not adversely affect protein function. This variant has not been reported in the literature in individuals affected with CIZ1-related conditions. This variant is not present in population databases (gnomAD no frequency).

NM_001131016.2(CIZ1):c.364C>T (p.Leu122Phe)

Gene: CIZ1 (CDKN1A interacting zinc finger protein 1; minus strand). Cytogenetic location: 9q34.11.
Variant type: single nucleotide variant.
Coding change: c.364C>T on transcript NM_001131016.2 (MANE Select); coding-DNA position 364, C replaced by T.
Protein change: p.Leu122Phe; replaces leucine 122 with phenylalanine.
Molecular consequence: missense variant.
Genome position (GRCh38, 1-based): chr9:128,185,771, G>A on the plus strand (C>T on the coding strand, the complement: CIZ1 is on the minus strand). VCF-style: chr9-128185771-G-A. GRCh37 (hg19) VCF-style: chr9-130948050-G-A.
Other names: c.364C>T, p.Leu122Phe (NM_001131015.2, NM_001131017.2, NM_012127.3); c.292C>T, p.Leu98Phe (NM_001131018.2); c.454C>T, p.Leu152Phe (NM_001257975.2); c.61C>T, p.Leu21Phe (NM_001257976.2); short protein forms L122F, L98F, L152F, L21F.
Identifiers: ClinVar variation 1394302 (VCV001394302.6), dbSNP rs763964915, ClinGen allele CA200325272.